The following is an entry in ClinVar:

ClinVar aggregate classification (germline): Uncertain significance (1 of 4 stars; one submission).

Allele frequency attached by ClinVar (database versions not stated): gnomAD exomes 0.00001.
gnomAD v4.1: 3 of 1,609,244 alleles (0.00019%); highest among the groups gnomAD compares: Middle Eastern, 0.051%; no homozygotes.

Submission:

Labcorp Genetics (formerly Invitae), Labcorp
Classification: Uncertain significance. Last evaluated: 2024-09-05. Review status: criteria provided, single submitter. Criteria: Invitae Variant Classification Sherloc (09022015). Collection method: clinical testing. Allele origin: germline.
Comment: This sequence change replaces lysine, which is basic and polar, with glutamic acid, which is acidic and polar, at codon 1966 of the DSCAML1 protein (p.Lys1966Glu). This variant is present in population databases (no rsID available, gnomAD 0.0009%). This variant has not been reported in the literature in individuals affected with DSCAML1-related conditions. An algorithm developed to predict the effect of missense changes on protein structure and function (PolyPhen-2) suggests that this variant is likely to be disruptive. In summary, the available evidence is currently insufficient to determine the role of this variant in disease. Therefore, it has been classified as a Variant of Uncertain Significance.

NM_020693.4(DSCAML1):c.5716A>G (p.Lys1906Glu)

Gene: DSCAML1 (DS cell adhesion molecule like 1; minus strand). Cytogenetic location: 11q23.3.
Variant type: single nucleotide variant.
Coding change: c.5716A>G on transcript NM_020693.4 (MANE Select); coding-DNA position 5716, A replaced by G.
Protein change: p.Lys1906Glu; replaces lysine 1906 with glutamic acid.
Molecular consequence: missense variant.
Genome position (GRCh38, 1-based): chr11:117,428,774, T>C on the plus strand (A>G on the coding strand, the complement: DSCAML1 is on the minus strand). VCF-style: chr11-117428774-T-C. GRCh37 (hg19) VCF-style: chr11-117299490-T-C.
Other names: short protein forms K1906E.
Identifiers: ClinVar variation 2983143 (VCV002983143.3), dbSNP rs1165554541, ClinGen allele CA382751544.